The following is an entry in ClinVar:

ClinVar aggregate classification (germline): Uncertain significance (1 of 4 stars; one submission).

Submission:

Labcorp Genetics (formerly Invitae), Labcorp
Classification: Uncertain significance. Last evaluated: 2022-06-27. Review status: criteria provided, single submitter. Criteria: Invitae Variant Classification Sherloc (09022015). Collection method: clinical testing. Allele origin: germline.
Comment: In summary, the available evidence is currently insufficient to determine the role of this variant in disease. Therefore, it has been classified as a Variant of Uncertain Significance. Variants that disrupt the consensus splice site are a relatively common cause of aberrant splicing (PMID: 17576681, 9536098). Algorithms developed to predict the effect of sequence changes on RNA splicing suggest that this variant is not likely to affect RNA splicing. This variant has not been reported in the literature in individuals affected with GHRHR-related conditions. This variant is not present in population databases (gnomAD no frequency). This sequence change falls in intron 11 of the GHRHR gene. It does not directly change the encoded amino acid sequence of the GHRHR protein. It affects a nucleotide within the consensus splice site.

Literature cited by the submitters: PubMed 17576681; PubMed 9536098.

NM_000823.4(GHRHR):c.1104+6G>A

Gene: GHRHR (growth hormone releasing hormone receptor; plus strand). Cytogenetic location: 7p14.3.
Variant type: single nucleotide variant.
Coding change: c.1104+6G>A on transcript NM_000823.4 (MANE Select); 6 bases into the intron after coding-DNA position 1104, G replaced by A.
Molecular consequence: intron variant.
Genome position (GRCh38, 1-based): chr7:30,976,564, G>A. VCF-style: chr7-30976564-G-A. GRCh37 (hg19) VCF-style: chr7-31016179-G-A.
Identifiers: ClinVar variation 1372157 (VCV001372157.6), dbSNP rs1386580844, ClinGen allele CA573470403.
Genomic context (GRCh38, chr7:30,976,564, plus strand): 5'-CAATGCTGGCCTGGGCATCCGCCTCCCCCTGGAGCTGGGACTGGGTTCCTTCCAGGTGAG[G>A]GCCCCCACAGGCACTCTTTCTTTCCATTGAGGGTGCTGGAGGGAGGTGCTGTTGCCCACG-3'